The following is an entry in ClinVar:

ClinVar aggregate classification (germline): Uncertain significance (1 of 4 stars; one submission).

Submission:

GeneDx
Classification: Uncertain significance. Last evaluated: 2025-06-16. Review status: criteria provided, single submitter. Criteria: GeneDx Variant Classification Process June 2021. Collection method: clinical testing. Allele origin: germline. Affected: yes.
Comment: Not observed at significant frequency in large population cohorts (gnomAD); In silico analysis supports that this missense variant has a deleterious effect on protein structure/function; Has not been previously published as pathogenic or benign to our knowledge

NM_014271.4(IL1RAPL1):c.341G>T (p.Gly114Val)

Gene: IL1RAPL1 (interleukin 1 receptor accessory protein like 1; plus strand). Cytogenetic location: Xp21.3.
Variant type: single nucleotide variant.
Coding change: c.341G>T on transcript NM_014271.4 (MANE Select); coding-DNA position 341, G replaced by T.
Protein change: p.Gly114Val; replaces glycine 114 with valine.
Molecular consequence: missense variant.
Genome position (GRCh38, 1-based): chrX:29,283,196, G>T. VCF-style: chrX-29283196-G-T. GRCh37 (hg19) VCF-style: chrX-29301313-G-T.
Other names: short protein forms G114V.
Identifiers: ClinVar variation 4540127 (VCV004540127.1).